The following is an entry in ClinVar:

NM_003200.5(TCF3):c.403C>T (p.Pro135Ser)

Gene: TCF3 (transcription factor 3; minus strand). Cytogenetic location: 19p13.3.
Variant type: single nucleotide variant.
Coding change: c.403C>T on transcript NM_003200.5 (MANE Select); coding-DNA position 403, C replaced by T.
Protein change: p.Pro135Ser; replaces proline 135 with serine.
Molecular consequence: missense variant.
Genome position (GRCh38, 1-based): chr19:1,625,672, G>A on the plus strand (C>T on the coding strand, the complement: TCF3 is on the minus strand). VCF-style: chr19-1625672-G-A. GRCh37 (hg19) VCF-style: chr19-1625671-G-A.
Other names: c.403C>T, p.Pro135Ser (NM_001136139.4, NM_001351778.2, NM_001351779.2); short protein forms P135S.
Identifiers: ClinVar variation 4763996 (VCV004763996.1).

ClinVar aggregate classification (germline): Uncertain significance (1 of 4 stars; one submission).

gnomAD v4.1: 4 of 1,526,342 alleles (0.00026%); highest among the groups gnomAD compares: East Asian, 0.0079%; no homozygotes.

Submission:

Labcorp Genetics (formerly Invitae), Labcorp
Classification: Uncertain significance. Last evaluated: 2026-01-02. Review status: criteria provided, single submitter. Criteria: Invitae Variant Classification Sherloc (09022015). Collection method: clinical testing. Allele origin: germline.
Comment: This sequence change replaces proline, which is neutral and non-polar, with serine, which is neutral and polar, at codon 135 of the TCF3 protein (p.Pro135Ser). This variant is not present in population databases (gnomAD no frequency). This variant has not been reported in the literature in individuals affected with TCF3-related conditions. Invitae Evidence Modeling of protein sequence and biophysical properties (such as structural, functional, and spatial information, amino acid conservation, physicochemical variation, residue mobility, and thermodynamic stability) indicates that this missense variant is not expected to disrupt TCF3 protein function with a negative predictive value of 80%. In summary, the available evidence is currently insufficient to determine the role of this variant in disease. Therefore, it has been classified as a Variant of Uncertain Significance.